The following is an entry in ClinVar:

NM_001330360.2(POLA1):c.2677C>G (p.Gln893Glu)

Gene: POLA1 (DNA polymerase alpha 1, catalytic subunit; plus strand). Cytogenetic location: Xp22.11.
Variant type: single nucleotide variant.
Coding change: c.2677C>G on transcript NM_001330360.2 (MANE Select); coding-DNA position 2677, C replaced by G.
Protein change: p.Gln893Glu; replaces glutamine 893 with glutamic acid.
Molecular consequence: missense variant. On other transcripts: non-coding transcript variant (2).
Genome position (GRCh38, 1-based): chrX:24,745,528, C>G. VCF-style: chrX-24745528-C-G. GRCh37 (hg19) VCF-style: chrX-24763645-C-G.
Other names: c.2602C>G, p.Gln868Glu (NM_001378303.1); c.2659C>G, p.Gln887Glu (NM_016937.4); short protein forms Q887E, Q868E, Q893E.
Identifiers: ClinVar variation 2014430 (VCV002014430.4), dbSNP rs2518848774, ClinGen allele CA412538150.

ClinVar aggregate classification (germline): Uncertain significance (1 of 4 stars; one submission).

Submission:

Labcorp Genetics (formerly Invitae), Labcorp
Classification: Uncertain significance. Last evaluated: 2022-07-06. Review status: criteria provided, single submitter. Criteria: Invitae Variant Classification Sherloc (09022015). Collection method: clinical testing. Allele origin: germline.
Comment: In summary, the available evidence is currently insufficient to determine the role of this variant in disease. Therefore, it has been classified as a Variant of Uncertain Significance. Algorithms developed to predict the effect of missense changes on protein structure and function output the following: SIFT: "Deleterious"; PolyPhen-2: "Benign"; Align-GVGD: "Class C0". The glutamic acid amino acid residue is found in multiple mammalian species, which suggests that this missense change does not adversely affect protein function. This variant has not been reported in the literature in individuals affected with POLA1-related conditions. This variant is not present in population databases (gnomAD no frequency). This sequence change replaces glutamine, which is neutral and polar, with glutamic acid, which is acidic and polar, at codon 887 of the POLA1 protein (p.Gln887Glu).